The following is an entry in ClinVar:

NM_000492.4(CFTR):c.3254A>G (p.His1085Arg)

Genes: CFTR (CF transmembrane conductance regulator; plus strand), CFTR-AS2 (CFTR antisense RNA 2; minus strand), LOC111674472 (DNase I hypersensitive sites in introns 16 and 17a of CFTR; plus strand). Cytogenetic location: 7q31.2.
Variant type: single nucleotide variant.
Coding change: c.3254A>G on transcript NM_000492.4 (MANE Select); coding-DNA position 3254, A replaced by G.
Protein change: p.His1085Arg; replaces histidine 1085 with arginine.
Molecular consequence: missense variant.
Genome position (GRCh38, 1-based): chr7:117,611,695, A>G. VCF-style: chr7-117611695-A-G. GRCh37 (hg19) VCF-style: chr7-117251749-A-G.
Other names: short protein forms H1085R.
Identifiers: ClinVar variation 7210 (VCV000007210.8), dbSNP rs79635528, ClinGen allele CA325598.

ClinVar aggregate classification (germline): Pathogenic/Likely pathogenic. Review status: criteria provided, multiple submitters, no conflicts (2 of 4 stars). 6 submissions from 6 submitters: Pathogenic (3); Likely pathogenic (1). 2 of the submissions do not count toward it. Last evaluated 2025-03-10.

Conditions:
Cystic fibrosis (CF). Also called: MUCOVISCIDOSIS. Identifiers: Orphanet 586, MedGen C0010674, MONDO:0009061, OMIM 219700. Disease mechanism: loss of function.

Submissions (6):

Women's Health and Genetics/Laboratory Corporation of America, LabCorp
Classification: Pathogenic for Cystic fibrosis. Last evaluated: 2025-03-10. Review status: criteria provided, single submitter. Criteria: LabCorp Variant Classification Summary - May 2015. Collection method: clinical testing. Allele origin: germline.
Comment: Variant summary: CFTR c.3254A>G (p.His1085Arg) results in a non-conservative amino acid change in the encoded protein sequence. Three of five in-silico tools predict a damaging effect of the variant on protein function. The variant was absent in 251110 control chromosomes. c.3254A>G has been reported in the homozygous or presumed compound heterozygous state in the literature in multiple individuals affected with Cystic Fibrosis (example, Mercier_1993, Osika_1999, Yoshimura_1999). These data indicate that the variant is likely to be associated with disease. At least one publication reports experimental evidence evaluating an impact on protein function. The most pronounced variant effect resulted in approximately 0.91% of normal chloride channel conductance relative to wild type (e.g., Bihler_2024). The following publications have been ascertained in the context of this evaluation (PMID: 38388235, 7683628, 10515411, 10517260). ClinVar contains an entry for this variant (Variation ID: 7210). Based on the evidence outlined above, the variant was classified as pathogenic.

Institute of Human Genetics, University of Leipzig Medical Center
Classification: Likely pathogenic for Cystic fibrosis. Last evaluated: 2022-09-05. Review status: criteria provided, single submitter. Criteria: ACMG Guidelines, 2015. Collection method: curation. Allele origin: unknown. Affected: yes. Observed: 2 variant alleles.
Comment: This variant was identified in 2 unrelated patients with a clinically confirmed diagnosis of cystic fibrosis. The variant was classified in the context of a project re-classifying variants in the German Cystic Fibrosis Registry (Muko.e.V.). Criteria applied: PS3_SUP, PM2_SUP, PM3_STR, PP3

MGZ Medical Genetics Center
Classification: Pathogenic for Cystic fibrosis. Last evaluated: 2022-04-08. Review status: criteria provided, single submitter. Criteria: ACMG Guidelines, 2015. Collection method: clinical testing. Allele origin: germline. Affected: yes. Observed: 1 variant allele.
Comment: ACMG criteria applied: PS4, PM3_STR, PS3_MOD, PM2_SUP

CFTR-France
Classification: Pathogenic for cystic fibrosis. Last evaluated: 2015-07-03. Review status: criteria provided, single submitter. Criteria: Claustres M et al. (Hum Mutat 2017). Collection method: curation. Allele origin: germline. Affected: yes.

Counsyl
Classification: Likely pathogenic for Cystic fibrosis. Last evaluated: 2014-11-20. Review status: no assertion criteria provided. Collection method: literature only. Allele origin: unknown. Inheritance: Autosomal recessive inheritance. Not counted in ClinVar's aggregate classification.

OMIM
Classification: Pathogenic for CYSTIC FIBROSIS. Last evaluated: 1993-01-01. Review status: no assertion criteria provided. Collection method: literature only. Allele origin: germline. Not counted in ClinVar's aggregate classification.

Literature cited by the submitters: PubMed 10515411 (cited by Women's Health and Genetics/Laboratory Corporation of America, LabCorp and Counsyl); PubMed 7683628 (cited by Women's Health and Genetics/Laboratory Corporation of America, LabCorp and Counsyl); PubMed 38388235 (cited by Women's Health and Genetics/Laboratory Corporation of America, LabCorp); PubMed 10517260 (cited by Women's Health and Genetics/Laboratory Corporation of America, LabCorp and Counsyl); PubMed 8702904 (cited by Counsyl); PubMed 23891399 (cited by Counsyl); PubMed 8662892 (cited by Counsyl); PubMed 15141088 (cited by Counsyl); PubMed 10923036 (cited by Counsyl); PubMed 20110398 (cited by Counsyl); PubMed 7504969 (cited by Counsyl and OMIM); PubMed 18456578 (cited by Counsyl); PubMed 11180668 (cited by Counsyl); PubMed 17331079 (cited by Counsyl).